The following is an entry in ClinVar:

ClinVar aggregate classification (germline): Uncertain significance. Review status: criteria provided, single submitter (1 of 4 stars). 2 submissions from 2 submitters: Uncertain significance (1). 1 of the submissions does not count toward it. Last evaluated 2022-02-26.

Conditions:
Polycystic kidney disease, adult type (PKD1). Also called: POLYCYSTIC KIDNEY DISEASE, ADULT, TYPE I; Polycystic Kidney Disease 1, Autosomal Dominant; Polycystic kidney disease 1; Polycystic kidney disease 1, severe; Polycystic Kidney, Autosomal Dominant; POLYCYSTIC KIDNEY DISEASE 1 WITH OR WITHOUT POLYCYSTIC LIVER DISEASE. Identifiers: MedGen C3149841, MONDO:0008263, OMIM 173900.
Polycystic kidney disease. Also called: Polycystic kidney dysplasia; Kidney, Polycystic. Identifiers: MedGen C0022680, MeSH D007690, MONDO:0020642, HP:0000113.

Submissions (2):

Fulgent Genetics
Classification: Uncertain significance for Polycystic kidney disease, adult type. Last evaluated: 2022-02-26. Review status: criteria provided, single submitter. Criteria: ACMG Guidelines, 2015. Collection method: clinical testing. Allele origin: unknown.

Department of Pathology and Laboratory Medicine, Sinai Health System
Classification: Uncertain significance for Polycystic Kidney disease. Review status: no assertion criteria provided. Collection method: clinical testing. Allele origin: unknown. Affected: yes. Study: The Canadian Open Genetics Repository (COGR). Not counted in ClinVar's aggregate classification.
Comment: The PKD1 p.Tyr1071Ser variant was not identified in the literature nor was it identified in the following databases: the dbSNP, ClinVar, LOVD 3.0, ADPKD Mutation Database, or PKD1-LOVD. The variant was not identified in the control databases: the 1000 Genomes Project, the NHLBI GO Exome Sequencing Project, the Exome Aggregation Consortium (August 8th 2016), or the Genome Aggregation Database (Feb 27, 2017). The p.Tyr1071 residue is conserved in mammals and computational analyses (PolyPhen-2, SIFT, AlignGVGD, BLOSUM, MutationTaster) provide inconsistent predictions regarding the impact to the protein; this information is not very predictive of pathogenicity. The variant occurs outside of the splicing consensus sequence and in silico or computational prediction software programs (SpliceSiteFinder, MaxEntScan, NNSPLICE, GeneSplicer, HumanSpliceFinder) do not predict a difference in splicing. In summary, based on the above information the clinical significance of this variant cannot be determined with certainty at this time. This variant is classified as a variant of uncertain significance.

NM_001009944.3(PKD1):c.3212A>C (p.Tyr1071Ser)

Gene: PKD1 (polycystin 1, transient receptor potential channel interacting; minus strand). Cytogenetic location: 16p13.3.
Variant type: single nucleotide variant.
Coding change: c.3212A>C on transcript NM_001009944.3 (MANE Select); coding-DNA position 3212, A replaced by C.
Protein change: p.Tyr1071Ser; replaces tyrosine 1071 with serine.
Molecular consequence: missense variant.
Genome position (GRCh38, 1-based): chr16:2,112,423, T>G on the plus strand (A>C on the coding strand, the complement: PKD1 is on the minus strand). VCF-style: chr16-2112423-T-G. GRCh37 (hg19) VCF-style: chr16-2162424-T-G.
Other names: c.3212A>C, p.Tyr1071Ser (NM_000296.4); short protein forms Y1071S.
Identifiers: ClinVar variation 997247 (VCV000997247.2), dbSNP rs2092538545, ClinGen allele CA394383637.